The following is an entry in ClinVar:

ClinVar aggregate classification (germline): Uncertain significance (1 of 4 stars; one submission).

Allele frequency attached by ClinVar (database versions not stated): gnomAD 0.00001; TOPMed 0.00002; ExAC 0.00004.
gnomAD v4.1: 73 of 1,614,068 alleles (0.0045%); highest among the groups gnomAD compares: Middle Eastern, 0.016%; no homozygotes.

Submission:

Labcorp Genetics (formerly Invitae), Labcorp
Classification: Uncertain significance. Last evaluated: 2024-04-05. Review status: criteria provided, single submitter. Criteria: Invitae Variant Classification Sherloc (09022015). Collection method: clinical testing. Allele origin: germline.
Comment: This sequence change replaces arginine, which is basic and polar, with cysteine, which is neutral and slightly polar, at codon 410 of the BRD4 protein (p.Arg410Cys). This variant is present in population databases (rs200659364, gnomAD 0.004%). This variant has not been reported in the literature in individuals affected with BRD4-related conditions. ClinVar contains an entry for this variant (Variation ID: 1994357). Advanced modeling of protein sequence and biophysical properties (such as structural, functional, and spatial information, amino acid conservation, physicochemical variation, residue mobility, and thermodynamic stability) performed at Invitae indicates that this missense variant is not expected to disrupt BRD4 protein function with a negative predictive value of 80%. In summary, the available evidence is currently insufficient to determine the role of this variant in disease. Therefore, it has been classified as a Variant of Uncertain Significance.

NM_001379291.1(BRD4):c.1228C>T (p.Arg410Cys)

Gene: BRD4 (bromodomain containing 4; minus strand). Cytogenetic location: 19p13.12.
Variant type: single nucleotide variant.
Coding change: c.1228C>T on transcript NM_001379291.1 (MANE Select); coding-DNA position 1228, C replaced by T.
Protein change: p.Arg410Cys; replaces arginine 410 with cysteine.
Molecular consequence: missense variant.
Genome position (GRCh38, 1-based): chr19:15,263,533, G>A on the plus strand (C>T on the coding strand, the complement: BRD4 is on the minus strand). VCF-style: chr19-15263533-G-A. GRCh37 (hg19) VCF-style: chr19-15374344-G-A.
Other names: c.1228C>T, p.Arg410Cys (NM_001330384.2, NM_001379292.1, NM_014299.3 and 1 more transcripts); short protein forms R410C.
Identifiers: ClinVar variation 1994357 (VCV001994357.4), dbSNP rs200659364, ClinGen allele CA9265422.